The following is an entry in ClinVar:

ClinVar aggregate classification (germline): Uncertain significance (1 of 4 stars; one submission).

Conditions:
Neuromuscular disease caused by qualitative or quantitative defects of dysferlin. Also called: Qualitative or quantitative defects of dysferlin; Dysferlinopathy. Identifiers: Orphanet 207073, MedGen C2931687, MONDO:0016145.

Submission:

Labcorp Genetics (formerly Invitae), Labcorp
Classification: Uncertain significance for Neuromuscular disease caused by qualitative or quantitative defects of dysferlin. Last evaluated: 2022-01-03. Review status: criteria provided, single submitter. Criteria: Invitae Variant Classification Sherloc (09022015). Collection method: clinical testing. Allele origin: germline.
Comment: In summary, the available evidence is currently insufficient to determine the role of this variant in disease. Therefore, it has been classified as a Variant of Uncertain Significance. Experimental studies and prediction algorithms are not available or were not evaluated, and the functional significance of this variant is currently unknown. This variant has not been reported in the literature in individuals affected with DYSF-related conditions. Information on the frequency of this variant in the gnomAD database is not available, as this variant may be reported differently in the database. This sequence change replaces glutamic acid, which is acidic and polar, with glutamine, which is neutral and polar, at codon 73 of the DYSF protein (p.Glu73Gln).

NM_001130987.2(DYSF):c.219_220delinsCC (p.Glu74Gln)

Gene: DYSF (dysferlin; plus strand). Cytogenetic location: 2p13.2.
Variant type: Indel.
Coding change: c.219_220delinsCC on transcript NM_001130987.2 (MANE Select); coding-DNA positions 219 to 220, TG replaced by CC.
Protein change: p.Glu74Gln; replaces glutamic acid 74 with glutamine.
Molecular consequence: missense variant.
Genome position (GRCh38, 1-based): chr2:71,481,950-71,481,951, TG replaced by CC. VCF-style: chr2-71481950-TG-CC. GRCh37 (hg19) VCF-style: chr2-71709080-TG-CC.
Other names: c.219_220delinsCC, p.Glu74Gln (NM_001130455.2, NM_001130982.2, NM_001130983.2 and 3 more transcripts); c.216_217delinsCC, p.Glu73Gln (NM_001130976.2, NM_001130977.2, NM_001130978.2 and 4 more transcripts); short protein forms E73Q, E74Q.
Identifiers: ClinVar variation 1971988 (VCV001971988.5), dbSNP rs2467184798, ClinGen allele CA2580067890.